The following is an entry in ClinVar:

ClinVar aggregate classification (germline): Uncertain significance (1 of 4 stars; one submission).

Submission:

GeneDx
Classification: Uncertain significance. Last evaluated: 2024-04-19. Review status: criteria provided, single submitter. Criteria: GeneDx Variant Classification Process June 2021. Collection method: clinical testing. Allele origin: germline. Affected: yes.
Comment: Not observed at significant frequency in large population cohorts (gnomAD); Frameshift variant predicted to result in abnormal protein length as the last 145 amino acids are replaced with 51 different amino acids; Has not been previously published as pathogenic or benign to our knowledge

NM_002516.4(NOVA2):c.1032_1042dup (p.Pro348fs)

Gene: NOVA2 (NOVA alternative splicing regulator 2; minus strand). Cytogenetic location: 19q13.32.
Variant type: Duplication.
Coding change: c.1032_1042dup on transcript NM_002516.4 (MANE Select); coding-DNA positions 1032 to 1042, 11 bases duplicated (GCCGCCGCCCC).
Protein change: p.Pro348fs; shifts the reading frame from proline 348.
Molecular consequence: frameshift variant.
Genome position (GRCh38, 1-based): chr19:45,940,300-45,940,310, GGGGCGGCGGC duplicated on the plus strand (GCCGCCGCCCC on the coding strand, the reverse complement: NOVA2 is on the minus strand); duplicating any 11 consecutive bases within chr19:45,940,300-45,940,318 gives the same sequence; the c. name uses the placement nearest the transcript's 3' end. VCF-style (leftmost placement, unchanged base first): chr19-45940299-G-GGGGGCGGCGGC. GRCh37 (hg19) VCF-style: chr19-46443557-G-GGGGGCGGCGGC.
Other names: short protein forms P348fs.
Identifiers: ClinVar variation 3372826 (VCV003372826.1).
Genomic context (GRCh38, chr19:45,940,299, plus strand): 5'-GCCCCGAGGTAGCCGTTGGCGGCTGCGGCCAACGCAAAGGACCCCAGGGCTCCGGGAGGC[G>GGGGGCGGCGGC]GGGGCGGCGGCGGGGCGGCCCCTCCGGCTGGCCCGGCCCCGGCCTCGCCCGCGTAGGATG-3'